The following is an entry in ClinVar:

ClinVar aggregate classification (germline): Benign/Likely benign. Review status: criteria provided, multiple submitters, no conflicts (2 of 4 stars). 5 submissions from 5 submitters: Benign (2); Likely benign (3). Last evaluated 2026-06-01.

Conditions:
Townes syndrome (TBS). Also called: Townes-Brocks syndrome. Identifiers: Orphanet 857, MedGen C0265246, MeSH C536974, MONDO:0007142.

Allele frequency attached by ClinVar (database versions not stated): 1000 Genomes Project 0.00020; 1000 Genomes Project 30x 0.00031; ESP Exome Variant Server 0.00031; TOPMed 0.00035; ExAC 0.00047; gnomAD 0.00048 and 0.00049; gnomAD exomes 0.00055.

Submissions (5):

CeGaT Center for Human Genetics Tuebingen
Classification: Likely benign. Last evaluated: 2026-06-01. Review status: criteria provided, single submitter. Criteria: CeGaT Center For Human Genetics Tuebingen Variant Classification Criteria Version 2. Collection method: clinical testing. Allele origin: germline. Affected: yes. Observed: 9 variant alleles.
Comment: SALL1: BP4, BP7

Labcorp Genetics (formerly Invitae), Labcorp
Classification: Benign for Townes syndrome. Last evaluated: 2026-01-05. Review status: criteria provided, single submitter. Criteria: Invitae Variant Classification Sherloc (09022015). Collection method: clinical testing. Allele origin: germline.

Blueprint Genetics
Classification: Likely benign. Last evaluated: 2024-11-27. Review status: criteria provided, single submitter. Criteria: ACMG Guidelines, 2015. Collection method: clinical testing. Allele origin: germline.

GeneDx
Classification: Benign. Last evaluated: 2020-03-12. Review status: criteria provided, single submitter. Criteria: GeneDx Variant Classification Process June 2021. Collection method: clinical testing. Allele origin: germline. Affected: yes.

PreventionGenetics, part of Exact Sciences
Classification: Likely benign. Review status: criteria provided, single submitter. Criteria: ACMG Guidelines, 2015. Collection method: clinical testing. Allele origin: germline.

NM_002968.3(SALL1):c.129C>T (p.His43=)

Gene: SALL1 (spalt like transcription factor 1; minus strand). Cytogenetic location: 16q12.1.
Variant type: single nucleotide variant.
Coding change: c.129C>T on transcript NM_002968.3 (MANE Select); coding-DNA position 129, C replaced by T.
Protein change: p.His43=; no amino-acid change (histidine 43 retained).
Molecular consequence: synonymous variant. On other transcripts: 5 prime UTR variant (1).
Genome position (GRCh38, 1-based): chr16:51,142,093, G>A on the plus strand (C>T on the coding strand, the complement: SALL1 is on the minus strand). VCF-style: chr16-51142093-G-A. GRCh37 (hg19) VCF-style: chr16-51176004-G-A.
Other names: c.-163C>T (NM_001127892.2).
Identifiers: ClinVar variation 258860 (VCV000258860.39), dbSNP rs368688611, ClinGen allele CA8053549.